The following is an entry in ClinVar:

ClinVar aggregate classification (germline): Uncertain significance. Review status: criteria provided, multiple submitters, no conflicts (2 of 4 stars). 2 submissions from 2 submitters: Uncertain significance (2). Last evaluated 2022-09-06.

Conditions:
Donnai-Barrow syndrome. Also called: DBS/FOAR SYNDROME; FACIOOCULOACOUSTICORENAL SYNDROME. Identifiers: Orphanet 2143, MedGen C1857277, MONDO:0009104, OMIM 222448.

Allele frequency attached by ClinVar (database versions not stated): gnomAD 0.00001; ExAC 0.00002; gnomAD exomes 0.00002; TOPMed 0.00002.
gnomAD v4.1: 45 of 1,613,934 alleles (0.0028%); highest among the groups gnomAD compares: Non-Finnish European, 0.0036%; no homozygotes.

Submissions (2):

Labcorp Genetics (formerly Invitae), Labcorp
Classification: Uncertain significance. Last evaluated: 2022-09-06. Review status: criteria provided, single submitter. Criteria: Invitae Variant Classification Sherloc (09022015). Collection method: clinical testing. Allele origin: germline.
Comment: This sequence change replaces arginine, which is basic and polar, with tryptophan, which is neutral and slightly polar, at codon 1632 of the LRP2 protein (p.Arg1632Trp). This variant is present in population databases (rs773659431, gnomAD 0.004%). This variant has not been reported in the literature in individuals affected with LRP2-related conditions. ClinVar contains an entry for this variant (Variation ID: 1023586). Advanced modeling of protein sequence and biophysical properties (such as structural, functional, and spatial information, amino acid conservation, physicochemical variation, residue mobility, and thermodynamic stability) performed at Invitae indicates that this missense variant is expected to disrupt LRP2 protein function. In summary, the available evidence is currently insufficient to determine the role of this variant in disease. Therefore, it has been classified as a Variant of Uncertain Significance.

Fulgent Genetics
Classification: Uncertain significance for Donnai-Barrow syndrome. Last evaluated: 2021-07-24. Review status: criteria provided, single submitter. Criteria: ACMG Guidelines, 2015. Collection method: clinical testing. Allele origin: unknown.

NM_004525.3(LRP2):c.4894C>T (p.Arg1632Trp)

Gene: LRP2 (LDL receptor related protein 2; minus strand). Cytogenetic location: 2q31.1.
Variant type: single nucleotide variant.
Coding change: c.4894C>T on transcript NM_004525.3 (MANE Select); coding-DNA position 4894, C replaced by T.
Protein change: p.Arg1632Trp; replaces arginine 1632 with tryptophan.
Molecular consequence: missense variant.
Genome position (GRCh38, 1-based): chr2:169,235,866, G>A on the plus strand (C>T on the coding strand, the complement: LRP2 is on the minus strand). VCF-style: chr2-169235866-G-A. GRCh37 (hg19) VCF-style: chr2-170092376-G-A.
Other names: short protein forms R1632W.
Identifiers: ClinVar variation 1023586 (VCV001023586.7), dbSNP rs773659431, ClinGen allele CA1954692.
Genomic context (GRCh38, chr2:169,235,866, plus strand): 5'-AGTTTTAATTTGGTTTTCCTCACCACCAACTTACCAAATCACTGGCTATCACCTGTCTCC[G>A]ATGGTGTCCATTATAATCACAAAAGTCCATGTAATCAAGATAGGAGTCCATGAAGTAGAG-3'
Protein context (NP_004516.2, residues 1622-1642): MDFCDYNGHH[Arg1632Trp]RQVIASDLII